The following is an entry in ClinVar:

NM_033215.5(PPP1R3F):c.1225G>A (p.Val409Ile)

Gene: PPP1R3F (protein phosphatase 1 regulatory subunit 3F; plus strand). Cytogenetic location: Xp11.23.
Variant type: single nucleotide variant.
Coding change: c.1225G>A on transcript NM_033215.5 (MANE Select); coding-DNA position 1225, G replaced by A.
Protein change: p.Val409Ile; replaces valine 409 with isoleucine.
Molecular consequence: missense variant.
Genome position (GRCh38, 1-based): chrX:49,285,915, G>A. VCF-style: chrX-49285915-G-A. GRCh37 (hg19) VCF-style: chrX-49142377-G-A.
Other names: c.187G>A, p.Val63Ile (NM_001184745.2); short protein forms V409I, V63I.
Identifiers: ClinVar variation 4571222 (VCV004571222.1).

ClinVar aggregate classification (germline): Uncertain significance (1 of 4 stars; one submission).

gnomAD v4.1: 2 of 1,206,364 alleles (0.00017%); highest among the groups gnomAD compares: African/African-American, 0.0035%; no homozygotes.

Submission:

Ambry Genetics
Classification: Uncertain significance. Last evaluated: 2025-11-25. Review status: criteria provided, single submitter. Criteria: Ambry Variant Classification Scheme 2023. Collection method: clinical testing. Allele origin: germline.
Comment: The c.1225G>A (p.V409I) alteration is located in exon 4 (coding exon 4) of the PPP1R3F gene. This alteration results from a G to A substitution at nucleotide position 1225, causing the valine (V) at amino acid position 409 to be replaced by an isoleucine (I). Based on data from gnomAD, the A allele has an overall frequency of 0.005% (1/21662) total alleles studied. The highest observed frequency was 0.017% (1/5814) of African alleles. Based on insufficient or conflicting evidence, the clinical significance of this alteration remains unclear.